The following is an entry in ClinVar:

NM_016507.4(CDK12):c.445G>C (p.Gly149Arg)

Genes: CDK12 (cyclin dependent kinase 12; plus strand), LOC126862553 (CDK7 strongly-dependent group 2 enhancer GRCh37_chr17:37618166-37619365; plus strand). Cytogenetic location: 17q12.
Variant type: single nucleotide variant.
Coding change: c.445G>C on transcript NM_016507.4 (MANE Select); coding-DNA position 445, G replaced by C.
Protein change: p.Gly149Arg; replaces glycine 149 with arginine.
Molecular consequence: missense variant.
Genome position (GRCh38, 1-based): chr17:39,462,516, G>C. VCF-style: chr17-39462516-G-C. GRCh37 (hg19) VCF-style: chr17-37618769-G-C.
Other names: c.445G>C, p.Gly149Arg (NM_015083.4); short protein forms G149R.
Identifiers: ClinVar variation 3999479 (VCV003999479.1).

ClinVar aggregate classification (germline): Uncertain significance (1 of 4 stars; one submission).

Submission:

Ambry Genetics
Classification: Uncertain significance. Last evaluated: 2025-05-21. Review status: criteria provided, single submitter. Criteria: Ambry Variant Classification Scheme 2023. Collection method: clinical testing. Allele origin: germline.
Comment: The p.G149R variant (also known as c.445G>C), located in coding exon 1 of the CDK12 gene, results from a G to C substitution at nucleotide position 445. The glycine at codon 149 is replaced by arginine, an amino acid with dissimilar properties. This amino acid position is conserved. In addition, this alteration is predicted to be tolerated by in silico analysis. Based on the available evidence, the clinical significance of this variant remains unclear.